The following is an entry in ClinVar:

NM_000487.6(ARSA):c.978C>T (p.Pro326=)

Gene: ARSA (arylsulfatase A; minus strand). Cytogenetic location: 22q13.33.
Variant type: single nucleotide variant.
Coding change: c.978C>T on transcript NM_000487.6 (MANE Select); coding-DNA position 978, C replaced by T.
Protein change: p.Pro326=; no amino-acid change (proline 326 retained).
Molecular consequence: synonymous variant.
Genome position (GRCh38, 1-based): chr22:50,626,155, G>A on the plus strand (C>T on the coding strand, the complement: ARSA is on the minus strand). VCF-style: chr22-50626155-G-A. GRCh37 (hg19) VCF-style: chr22-51064583-G-A.
Other names: c.978C>T, p.Pro326= (NM_001085425.3, NM_001085426.3, NM_001085427.3); c.720C>T, p.Pro240= (NM_001085428.3, NM_001362782.2).
Identifiers: ClinVar variation 2171666 (VCV002171666.1), dbSNP rs1405375723, ClinGen allele CA515248931.

ClinVar aggregate classification (germline): Uncertain significance (1 of 4 stars; one submission).

Conditions:
Metachromatic leukodystrophy (MLD). Also called: SULFATIDE LIPIDOSIS; Cerebral sclerosis diffuse metachromatic form; CEREBROSIDE SULFATASE DEFICIENCY; METACHROMATIC LEUKOENCEPHALOPATHY; ARSA DEFICIENCY; Arylsulfatase A Deficiency. Identifiers: Orphanet 512, MedGen C0023522, MONDO:0018868, OMIM 250100.

Allele frequency attached by ClinVar (database versions not stated): TOPMed 0.00002.

Submission:

Labcorp Genetics (formerly Invitae), Labcorp
Classification: Uncertain significance for Metachromatic leukodystrophy. Last evaluated: 2022-09-27. Review status: criteria provided, single submitter. Criteria: Invitae Variant Classification Sherloc (09022015). Collection method: clinical testing. Allele origin: germline.
Comment: This sequence change affects codon 326 of the ARSA mRNA. It is a 'silent' change, meaning that it does not change the encoded amino acid sequence of the ARSA protein. It affects a nucleotide within the consensus splice site. The frequency data for this variant in the population databases is considered unreliable, as metrics indicate poor data quality at this position in the gnomAD database. This variant has not been reported in the literature in individuals affected with ARSA-related conditions. Algorithms developed to predict the effect of sequence changes on RNA splicing suggest that this variant is not likely to affect RNA splicing. In summary, the available evidence is currently insufficient to determine the role of this variant in disease. Therefore, it has been classified as a Variant of Uncertain Significance.